The following is an entry in ClinVar:

NM_003672.4(CDC14A):c.374C>G (p.Pro125Arg)

Gene: CDC14A (cell division cycle 14A; plus strand). Cytogenetic location: 1p21.2.
Variant type: single nucleotide variant.
Coding change: c.374C>G on transcript NM_003672.4 (MANE Select); coding-DNA position 374, C replaced by G.
Protein change: p.Pro125Arg; replaces proline 125 with arginine.
Molecular consequence: missense variant. On other transcripts: 5 prime UTR variant (1).
Genome position (GRCh38, 1-based): chr1:100,424,286, C>G. VCF-style: chr1-100424286-C-G. GRCh37 (hg19) VCF-style: chr1-100889842-C-G.
Other names: c.374C>G, p.Pro125Arg (NM_001319210.2, NM_033312.3, NM_033313.3); c.200C>G, p.Pro67Arg (NM_001319211.2); c.-418C>G (NM_001319212.2); c.374C>G (NM_033312.2); short protein forms P67R, P125R.
Identifiers: ClinVar variation 666801 (VCV000666801.5), dbSNP rs200941208, ClinGen allele CA970546.

ClinVar aggregate classification (germline): Uncertain significance. Review status: criteria provided, multiple submitters, no conflicts (2 of 4 stars). 2 submissions from 2 submitters: Uncertain significance (2). Last evaluated 2025-02-22.

Conditions:
Inborn genetic diseases. Identifiers: MedGen C0950123, MeSH D030342.

Allele frequency attached by ClinVar (database versions not stated): TOPMed 0.00006.
gnomAD v4.1: 53 of 1,613,212 alleles (0.0033%); highest among the groups gnomAD compares: East Asian, 0.022%; no homozygotes.

Submissions (2):

Ambry Genetics
Classification: Uncertain significance for Inborn genetic diseases. Last evaluated: 2025-02-22. Review status: criteria provided, single submitter. Criteria: Ambry Variant Classification Scheme 2023. Collection method: clinical testing. Allele origin: germline.

Laboratory for Molecular Medicine, Mass General Brigham Personalized Medicine
Classification: Uncertain significance. Last evaluated: 2018-11-20. Review status: criteria provided, single submitter. Criteria: LMM Criteria. Collection method: clinical testing. Allele origin: germline. Observed: 1 variant allele.
Comment: The p.Pro125Arg variant in CDC14A has not been previously reported in individual s with hearing loss but has been identified in 0.045% (9/19926) of East Asian ch romosomes by gnomAD. Computational prediction tools and conservation analysis do not provide strong support for or against an impact to the protein. In summary, the clinical significance of the p.Pro125Arg variant is uncertain. ACMG/AMP Criteria applied: PM2_Supporting.